The following is an entry in ClinVar:

NM_000051.4(ATM):c.8988-3T>C

Genes: ATM (ATM serine/threonine kinase; plus strand), C11orf65 (chromosome 11 open reading frame 65; minus strand). Cytogenetic location: 11q22.3.
Variant type: single nucleotide variant.
Coding change: c.8988-3T>C on transcript NM_000051.4 (MANE Select); 3 bases into the intron before coding-DNA position 8988, T replaced by C.
Molecular consequence: intron variant.
Genome position (GRCh38, 1-based): chr11:108,365,322, T>C. VCF-style: chr11-108365322-T-C. GRCh37 (hg19) VCF-style: chr11-108236049-T-C.
Other names: c.8988-3T>C (NM_001351834.2); c.640+20598A>G (NM_001330368.2); c.694+20598A>G (NM_001351110.2).
Identifiers: ClinVar variation 578298 (VCV000578298.32), dbSNP rs1565608600, ClinGen allele CA891843038.

ClinVar aggregate classification (germline): Conflicting classifications of pathogenicity. Review status: criteria provided, conflicting classifications (1 of 4 stars). 6 submissions from 6 submitters: Uncertain significance (4); Likely benign (1). 1 of the submissions does not count toward it. Last evaluated 2026-01-20.

Conditions:
Hereditary cancer-predisposing syndrome. Also called: Hereditary Cancer Syndrome; Neoplastic Syndromes, Hereditary; Tumor predisposition; Hereditary neoplastic syndrome. Identifiers: Orphanet 140162, MedGen C0027672, MeSH D009386, MONDO:0015356.
Ataxia-telangiectasia syndrome (AT). Also called: Cerebello-oculocutaneous telangiectasia; Immunodeficiency with ataxia telangiectasia; Ataxia-telangiectasia, complementation group E; Ataxia-telangiectasia, complementation group D; AT, COMPLEMENTATION GROUP C; ATAXIA-TELANGIECTASIA, COMPLEMENTATION GROUP A. Identifiers: Orphanet 100, MedGen C0004135, MONDO:0008840, OMIM 208900.
Familial cancer of breast. Also called: BREAST CANCER, FAMILIAL; Hereditary breast cancer; hereditary breast carcinoma. Identifiers: Orphanet 227535, MedGen C0346153, MONDO:0016419, OMIM 114480. Disease mechanism: loss of function.

Submissions (6):

Dasa
Classification: Uncertain significance. Last evaluated: 2026-01-20. Review status: criteria provided, single submitter. Criteria: DASA Assertion Criteria. Collection method: clinical testing. Allele origin: germline.
Comment: NM_000051.4(ATM):c.8988-3T>C is a splice-region variant. This variant is absent from population databases. Computational prediction algorithms are consistent with a benign effect. The currently available literature and clinical evidence are not sufficient to establish a definitive association between this variant and the reported condition. Therefore, this variant is classified as a variant of uncertain significance.

Ambry Genetics
Classification: Uncertain significance for Hereditary cancer-predisposing syndrome. Last evaluated: 2025-05-01. Review status: criteria provided, single submitter. Criteria: Ambry Variant Classification Scheme 2023. Collection method: clinical testing. Allele origin: germline.
Comment: The c.8988-3T>C intronic variant results from a T to C substitution 3 nucleotides upstream from coding exon 62 in the ATM gene. This nucleotide position is not well conserved in available vertebrate species. In silico splice site analysis predicts that this alteration will not have any significant effect on splicing. Based on the available evidence, the clinical significance of this variant remains unclear.

Labcorp Genetics (formerly Invitae), Labcorp
Classification: Uncertain significance for Ataxia-telangiectasia syndrome. Last evaluated: 2024-12-10. Review status: criteria provided, single submitter. Criteria: Invitae Variant Classification Sherloc (09022015). Collection method: clinical testing. Allele origin: germline.
Comment: This sequence change falls in intron 62 of the ATM gene. It does not directly change the encoded amino acid sequence of the ATM protein. It affects a nucleotide within the consensus splice site. This variant is not present in population databases (gnomAD no frequency). This variant has not been reported in the literature in individuals affected with ATM-related conditions. ClinVar contains an entry for this variant (Variation ID: 578298). Variants that disrupt the consensus splice site are a relatively common cause of aberrant splicing (PMID: 17576681, 9536098). Algorithms developed to predict the effect of sequence changes on RNA splicing suggest that this variant is not likely to affect RNA splicing. In summary, the available evidence is currently insufficient to determine the role of this variant in disease. Therefore, it has been classified as a Variant of Uncertain Significance.

Myriad Genetics, Inc.
Classification: Likely benign for Familial cancer of breast. Last evaluated: 2024-06-24. Review status: criteria provided, single submitter. Criteria: Myriad Autosomal Dominant, Autosomal Recessive and X-Linked Classification Criteria (2023). Collection method: clinical testing. Allele origin: unknown.
Comment: This variant is considered likely benign. This variant is intronic and is not expected to impact mRNA splicing.

Color Diagnostics, LLC DBA Color Health
Classification: Uncertain significance for Hereditary cancer-predisposing syndrome. Last evaluated: 2023-02-06. Review status: criteria provided, single submitter. Criteria: ACMG Guidelines, 2015. Collection method: clinical testing. Allele origin: germline.
Comment: This variant causes a T to C nucleotide substitution at the -3 position of intron 62 of the ATM gene. Splice site prediction tools suggest that this variant may not impact RNA splicing. However, this prediction has not been confirmed in published RNA studies. This variant has not been reported in individuals affected with hereditary cancer in the literature. This variant has not been identified in the general population by the Genome Aggregation Database (gnomAD). The available evidence is insufficient to determine the role of this variant in disease conclusively. Therefore, this variant is classified as a Variant of Uncertain Significance.

Natera, Inc.
Classification: Uncertain significance for Ataxia-telangiectasia. Last evaluated: 2020-09-18. Review status: no assertion criteria provided. Collection method: clinical testing. Allele origin: germline. Not counted in ClinVar's aggregate classification.

Literature cited by the submitters: PubMed 17576681 (cited by Labcorp Genetics (formerly Invitae), Labcorp); PubMed 9536098 (cited by Labcorp Genetics (formerly Invitae), Labcorp).